The following is an entry in ClinVar:

ClinVar aggregate classification (germline): Uncertain significance (1 of 4 stars; one submission).

Submission:

GeneDx
Classification: Uncertain significance. Last evaluated: 2024-01-04. Review status: criteria provided, single submitter. Criteria: GeneDx Variant Classification Process June 2021. Collection method: clinical testing. Allele origin: germline. Affected: yes.
Comment: Not observed at significant frequency in large population cohorts (gnomAD); In silico analysis supports that this missense variant has a deleterious effect on protein structure/function; Has not been previously published as pathogenic or benign to our knowledge

NM_001080414.4(CCDC88C):c.2824A>T (p.Arg942Trp)

Gene: CCDC88C (coiled-coil domain containing 88C; minus strand). Cytogenetic location: 14q32.11.
Variant type: single nucleotide variant.
Coding change: c.2824A>T on transcript NM_001080414.4 (MANE Select); coding-DNA position 2824, A replaced by T.
Protein change: p.Arg942Trp; replaces arginine 942 with tryptophan.
Molecular consequence: missense variant. On other transcripts: non-coding transcript variant (2).
Genome position (GRCh38, 1-based): chr14:91,309,899, T>A on the plus strand (A>T on the coding strand, the complement: CCDC88C is on the minus strand). VCF-style: chr14-91309899-T-A. GRCh37 (hg19) VCF-style: chr14-91776243-T-A.
Other names: short protein forms R942W.
Identifiers: ClinVar variation 3367596 (VCV003367596.1).